The following is an entry in ClinVar:

ClinVar aggregate classification (germline): Uncertain significance (1 of 4 stars; one submission).

Submission:

CeGaT Center for Human Genetics Tuebingen
Classification: Uncertain significance. Last evaluated: 2025-01-01. Review status: criteria provided, single submitter. Criteria: CeGaT Center For Human Genetics Tuebingen Variant Classification Criteria Version 2. Collection method: clinical testing. Allele origin: germline. Affected: yes. Observed: 1 variant allele.
Comment: KCNQ4: PM2, PP3

NM_004700.4(KCNQ4):c.109G>A (p.Gly37Ser)

Gene: KCNQ4 (potassium voltage-gated channel subfamily Q member 4; plus strand). Cytogenetic location: 1p34.2.
Variant type: single nucleotide variant.
Coding change: c.109G>A on transcript NM_004700.4 (MANE Select); coding-DNA position 109, G replaced by A.
Protein change: p.Gly37Ser; replaces glycine 37 with serine.
Molecular consequence: missense variant.
Genome position (GRCh38, 1-based): chr1:40,784,202, G>A. VCF-style: chr1-40784202-G-A. GRCh37 (hg19) VCF-style: chr1-41249874-G-A.
Other names: c.109G>A, p.Gly37Ser (NM_172163.3); short protein forms G37S.
Identifiers: ClinVar variation 3771616 (VCV003771616.13).